The following is an entry in ClinVar:

ClinVar aggregate classification (germline): Uncertain significance (1 of 4 stars; one submission).

gnomAD v4.1: 15 of 1,613,258 alleles (0.00093%); highest among the groups gnomAD compares: Non-Finnish European, 0.0012%; no homozygotes.

Submission:

Labcorp Genetics (formerly Invitae), Labcorp
Classification: Uncertain significance. Last evaluated: 2022-12-09. Review status: criteria provided, single submitter. Criteria: Invitae Variant Classification Sherloc (09022015). Collection method: clinical testing. Allele origin: germline.
Comment: In summary, the available evidence is currently insufficient to determine the role of this variant in disease. Therefore, it has been classified as a Variant of Uncertain Significance. Advanced modeling of protein sequence and biophysical properties (such as structural, functional, and spatial information, amino acid conservation, physicochemical variation, residue mobility, and thermodynamic stability) performed at Invitae indicates that this missense variant is not expected to disrupt COL9A3 protein function. This variant has not been reported in the literature in individuals affected with COL9A3-related conditions. This variant is not present in population databases (gnomAD no frequency). This sequence change replaces proline, which is neutral and non-polar, with serine, which is neutral and polar, at codon 558 of the COL9A3 protein (p.Pro558Ser).

NM_001853.4(COL9A3):c.1672C>T (p.Pro558Ser)

Gene: COL9A3 (collagen type IX alpha 3 chain; plus strand). Cytogenetic location: 20q13.33.
Variant type: single nucleotide variant.
Coding change: c.1672C>T on transcript NM_001853.4 (MANE Select); coding-DNA position 1672, C replaced by T.
Protein change: p.Pro558Ser; replaces proline 558 with serine.
Molecular consequence: missense variant.
Genome position (GRCh38, 1-based): chr20:62,837,151, C>T. VCF-style: chr20-62837151-C-T. GRCh37 (hg19) VCF-style: chr20-61468503-C-T.
Other names: short protein forms P558S.
Identifiers: ClinVar variation 2819668 (VCV002819668.3), dbSNP rs995654700, ClinGen allele CA317344069.
Genomic context (GRCh38, chr20:62,837,151, plus strand): 5'-GCACAGTTAGCCGCGCACCTAAGGAAGCCTTTGGCACCCGGGTCCATTGGTCGGCCCGGT[C>T]CAGCTGGCCCCCCTGGGCCCCCAGGACCCCCAGGCTCCATTGGTCACCCTGGCGCTCGAG-3'
Protein context (NP_001844.3, residues 548-568): LAPGSIGRPG[Pro558Ser]AGPPGPPGPP